The following is an entry in ClinVar:

ClinVar aggregate classification (germline): Uncertain significance. Review status: criteria provided, multiple submitters, no conflicts (2 of 4 stars). 2 submissions from 2 submitters: Uncertain significance (2). Last evaluated 2025-03-17.

Conditions:
Inborn genetic diseases. Identifiers: MedGen C0950123, MeSH D030342.

Allele frequency attached by ClinVar (database versions not stated): gnomAD 0.00002; gnomAD exomes 0.00003; TOPMed 0.00004; ESP Exome Variant Server 0.00008.
gnomAD v4.1: 91 of 1,555,802 alleles (0.0058%); highest among the groups gnomAD compares: Non-Finnish European, 0.0074%; no homozygotes.

Submissions (2):

Labcorp Genetics (formerly Invitae), Labcorp
Classification: Uncertain significance. Last evaluated: 2025-03-17. Review status: criteria provided, single submitter. Criteria: Invitae Variant Classification Sherloc (09022015). Collection method: clinical testing. Allele origin: germline.
Comment: This sequence change replaces valine, which is neutral and non-polar, with methionine, which is neutral and non-polar, at codon 706 of the DOCK6 protein (p.Val706Met). The frequency data for this variant in the population databases is considered unreliable, as metrics indicate poor data quality at this position in the gnomAD database. This variant has not been reported in the literature in individuals affected with DOCK6-related conditions. ClinVar contains an entry for this variant (Variation ID: 1351495). Invitae Evidence Modeling of protein sequence and biophysical properties (such as structural, functional, and spatial information, amino acid conservation, physicochemical variation, residue mobility, and thermodynamic stability) indicates that this missense variant is expected to disrupt DOCK6 protein function with a positive predictive value of 80%. In summary, the available evidence is currently insufficient to determine the role of this variant in disease. Therefore, it has been classified as a Variant of Uncertain Significance.

Ambry Genetics
Classification: Uncertain significance for Inborn genetic diseases. Last evaluated: 2025-02-08. Review status: criteria provided, single submitter. Criteria: Ambry Variant Classification Scheme 2023. Collection method: clinical testing. Allele origin: germline.

NM_020812.4(DOCK6):c.2116G>A (p.Val706Met)

Gene: DOCK6 (dedicator of cytokinesis 6; minus strand). Cytogenetic location: 19p13.2.
Variant type: single nucleotide variant.
Coding change: c.2116G>A on transcript NM_020812.4 (MANE Select); coding-DNA position 2116, G replaced by A.
Protein change: p.Val706Met; replaces valine 706 with methionine.
Molecular consequence: missense variant.
Genome position (GRCh38, 1-based): chr19:11,236,837, C>T on the plus strand (G>A on the coding strand, the complement: DOCK6 is on the minus strand). VCF-style: chr19-11236837-C-T. GRCh37 (hg19) VCF-style: chr19-11347513-C-T.
Other names: c.2116G>A (NM_020812.2); c.2116G>A, p.Val706Met (NM_001367830.1); short protein forms V706M.
Identifiers: ClinVar variation 1351495 (VCV001351495.8), dbSNP rs374220764, ClinGen allele CA305334623.
Genomic context (GRCh38, chr19:11,236,837, plus strand): 5'-CCGGCCCACCCCGTACCTGGGGGTGCACAGAGGACACGGCTGTGAGCTCCACACTGAACA[C>T]GCCCTTGTGACCGTCCACCCAGCGCATGCCCGGAAGCGCCACCTGTGGGAGGGAGGCACC-3'
Protein context (NP_065863.2, residues 696-716): GMRWVDGHKG[Val706Met]FSVELTAVSS